The following is an entry in ClinVar:

ClinVar aggregate classification (germline): Uncertain significance (1 of 4 stars; one submission).

Conditions:
Intellectual developmental disorder, X-linked 63. Also called: MENTAL RETARDATION, X-LINKED 68; Intellectual disability, X-linked 63. Identifiers: Orphanet 777, MedGen C1845672, MONDO:0010313, OMIM 300387.

Submission:

Victorian Clinical Genetics Services, Murdoch Childrens Research Institute
Classification: Uncertain significance for Intellectual developmental disorder, X-linked 63. Last evaluated: 2023-12-21. Review status: criteria provided, single submitter. Criteria: ACMG Guidelines, 2015. Collection method: clinical testing. Allele origin: germline. Inheritance: X-linked dominant inheritance. Affected: yes.
Comment: Based on the classification scheme VCGS_Germline_v1.3.4, this variant is classified as VUS-3B. Following criteria are met: 0102 - Loss of function is a known mechanism of disease in this gene and is associated with X-linked intellectual developmental disorder 63 (MIM#300387). (I) 0110 - This gene is associated with X-linked dominant disease. (I) 0200 - Variant is predicted to result in a missense amino acid change from histidine to tyrosine. (I) 0253 - This variant is hemizygous. (I) 0301 - Variant is absent from gnomAD (both v2 and v3). (SP) 0309 - Two alternative amino acid changes at the same position have been observed in gnomAD (v2, v3; highest allele count in p.(His23Arg): 20 heterozygotes, 0 homozygotes, 8 hemizygotes). (I) 0502 - Missense variant with conflicting in silico predictions and uninformative conservation. (I) 0604 - Variant is not located in an established domain, motif, hotspot or informative constraint region. (I) 0710 - Another missense variant comparable to the one identified in this case has inconclusive previous evidence for pathogenicity. p.(His23Arg) has been reported as a VUS by multiple clinical testing laboratories (ClinVar). (I) 0807 - This variant has no previous evidence of pathogenicity. It has been reported once as a VUS without further information provided (LOVD). (I) 0905 - No published segregation evidence has been identified for this variant. (I) 1007 - No published functional evidence has been identified for this variant. (I) Legend: (SP) - Supporting pathogenic, (I) - Information, (SB) - Supporting benign

NM_001318510.2(ACSL4):c.67C>T (p.His23Tyr)

Gene: ACSL4 (acyl-CoA synthetase long chain family member 4; minus strand). Cytogenetic location: Xq23.
Variant type: single nucleotide variant.
Coding change: c.67C>T on transcript NM_001318510.2 (MANE Select); coding-DNA position 67, C replaced by T.
Protein change: p.His23Tyr; replaces histidine 23 with tyrosine.
Molecular consequence: missense variant.
Genome position (GRCh38, 1-based): chrX:109,683,297, G>A on the plus strand (C>T on the coding strand, the complement: ACSL4 is on the minus strand). VCF-style: chrX-109683297-G-A. GRCh37 (hg19) VCF-style: chrX-108926526-G-A.
Other names: c.190C>T, p.His64Tyr (NM_001318509.2, NM_022977.3); c.67C>T, p.His23Tyr (NM_004458.3); short protein forms H23Y, H64Y.
Identifiers: ClinVar variation 3255102 (VCV003255102.1), dbSNP rs2521239481.